The following is an entry in ClinVar:

ClinVar aggregate classification (germline): Uncertain significance. Review status: criteria provided, multiple submitters, no conflicts (2 of 4 stars). 2 submissions from 2 submitters: Uncertain significance (2). Last evaluated 2025-06-12.

Allele frequency attached by ClinVar (database versions not stated): TOPMed 0.00001; gnomAD 0.00003.
gnomAD v4.1: 4 of 1,613,996 alleles (0.00025%); highest among the groups gnomAD compares: African/African-American, 0.0053%; no homozygotes.

Submissions (2):

Labcorp Genetics (formerly Invitae), Labcorp
Classification: Uncertain significance. Last evaluated: 2025-06-12. Review status: criteria provided, single submitter. Criteria: Invitae Variant Classification Sherloc (09022015). Collection method: clinical testing. Allele origin: germline.
Comment: This sequence change replaces leucine, which is neutral and non-polar, with phenylalanine, which is neutral and non-polar, at codon 620 of the UMOD protein (p.Leu620Phe). This variant is not present in population databases (gnomAD no frequency). This variant has not been reported in the literature in individuals affected with UMOD-related conditions. ClinVar contains an entry for this variant (Variation ID: 1933032). Experimental studies and prediction algorithms are not available or were not evaluated, and the functional significance of this variant is currently unknown. In summary, the available evidence is currently insufficient to determine the role of this variant in disease. Therefore, it has been classified as a Variant of Uncertain Significance.

GeneDx
Classification: Uncertain significance. Last evaluated: 2023-10-12. Review status: criteria provided, single submitter. Criteria: GeneDx Variant Classification Process June 2021. Collection method: clinical testing. Allele origin: germline. Affected: yes.
Comment: Not observed at significant frequency in large population cohorts (gnomAD); In silico analysis supports that this missense variant does not alter protein structure/function; Has not been previously published as pathogenic or benign to our knowledge

NM_003361.4(UMOD):c.1860G>C (p.Leu620Phe)

Gene: UMOD (uromodulin; minus strand). Cytogenetic location: 16p12.3.
Variant type: single nucleotide variant.
Coding change: c.1860G>C on transcript NM_003361.4 (MANE Select); coding-DNA position 1860, G replaced by C.
Protein change: p.Leu620Phe; replaces leucine 620 with phenylalanine.
Molecular consequence: missense variant. On other transcripts: non-coding transcript variant (1).
Genome position (GRCh38, 1-based): chr16:20,335,483, C>G on the plus strand (G>C on the coding strand, the complement: UMOD is on the minus strand). VCF-style: chr16-20335483-C-G. GRCh37 (hg19) VCF-style: chr16-20346805-C-G.
Other names: c.1860G>C (NM_003361.2); c.1860G>C, p.Leu620Phe (NM_001008389.3, NM_001378232.1, NM_001378233.1); c.1959G>C, p.Leu653Phe (NM_001278614.2); c.2001G>C, p.Leu667Phe (NM_001378234.1, NM_001378235.1); short protein forms L620F, L653F, L667F.
Identifiers: ClinVar variation 1933032 (VCV001933032.6), dbSNP rs985621780, ClinGen allele CA279287289.
Genomic context (GRCh38, chr16:20,335,483, plus strand): 5'-TAGAAGCCCCCCAGGAGAGTTCTGGAACAGGTCCCACTGCAGAAAGGACCTGAACTTACC[C>G]AAGCTGCTAAAAGCCCTTGAGACTGTGGCCTGGACACCTTTGGAGGAAAACAGAAGGATC-3'
Protein context (NP_003352.2, residues 610-630): QATVSRAFSS[Leu620Phe]GLLKVWLPLL